The following is an entry in ClinVar:

NM_001261826.3(AP3D1):c.509T>C (p.Met170Thr)

Gene: AP3D1 (adaptor related protein complex 3 subunit delta 1; minus strand). Cytogenetic location: 19p13.3.
Variant type: single nucleotide variant.
Coding change: c.509T>C on transcript NM_001261826.3 (MANE Select); coding-DNA position 509, T replaced by C.
Protein change: p.Met170Thr; replaces methionine 170 with threonine.
Molecular consequence: missense variant.
Genome position (GRCh38, 1-based): chr19:2,130,491, A>G on the plus strand (T>C on the coding strand, the complement: AP3D1 is on the minus strand). VCF-style: chr19-2130491-A-G. GRCh37 (hg19) VCF-style: chr19-2130490-A-G.
Other names: c.509T>C, p.Met170Thr (NM_001374799.1, NM_003938.8); short protein forms M170T.
Identifiers: ClinVar variation 1036441 (VCV001036441.8), dbSNP rs776260941, ClinGen allele CA9059689.

ClinVar aggregate classification (germline): Uncertain significance (1 of 4 stars; one submission).

Allele frequency attached by ClinVar (database versions not stated): gnomAD exomes 0.00001; ExAC 0.00002; gnomAD 0.00003; TOPMed 0.00003.

Submission:

Labcorp Genetics (formerly Invitae), Labcorp
Classification: Uncertain significance. Last evaluated: 2022-03-29. Review status: criteria provided, single submitter. Criteria: Invitae Variant Classification Sherloc (09022015). Collection method: clinical testing. Allele origin: germline.
Comment: In summary, the available evidence is currently insufficient to determine the role of this variant in disease. Therefore, it has been classified as a Variant of Uncertain Significance. Algorithms developed to predict the effect of missense changes on protein structure and function are either unavailable or do not agree on the potential impact of this missense change (SIFT: "Deleterious"; PolyPhen-2: "Benign"; Align-GVGD: "Class C45"). ClinVar contains an entry for this variant (Variation ID: 1036441). This variant has not been reported in the literature in individuals affected with AP3D1-related conditions. This variant is present in population databases (rs776260941, gnomAD 0.007%). This sequence change replaces methionine, which is neutral and non-polar, with threonine, which is neutral and polar, at codon 170 of the AP3D1 protein (p.Met170Thr).